The following is an entry in ClinVar:

ClinVar aggregate classification (germline): Uncertain significance (1 of 4 stars; one submission).

Conditions:
Epileptic encephalopathy. Identifiers: MedGen C0543888, HP:0200134.

Submission:

Labcorp Genetics (formerly Invitae), Labcorp
Classification: Uncertain significance for Epileptic encephalopathy. Last evaluated: 2026-01-28. Review status: criteria provided, single submitter. Criteria: Invitae Variant Classification Sherloc (09022015). Collection method: clinical testing. Allele origin: germline.
Comment: This sequence change replaces glycine, which is neutral and non-polar, with aspartic acid, which is acidic and polar, at codon 2136 of the FASN protein (p.Gly2136Asp). The frequency data for this variant in the population databases is considered unreliable, as metrics indicate poor data quality at this position in the gnomAD database. This variant has not been reported in the literature in individuals affected with FASN-related conditions. An algorithm developed to predict the effect of missense changes on protein structure and function (PolyPhen-2) suggests that this variant is likely to be disruptive. In summary, the available evidence is currently insufficient to determine the role of this variant in disease. Therefore, it has been classified as a Variant of Uncertain Significance.

NM_004104.5(FASN):c.6407G>A (p.Gly2136Asp)

Gene: FASN (fatty acid synthase; minus strand). Cytogenetic location: 17q25.3.
Variant type: single nucleotide variant.
Coding change: c.6407G>A on transcript NM_004104.5 (MANE Select); coding-DNA position 6407, G replaced by A.
Protein change: p.Gly2136Asp; replaces glycine 2136 with aspartic acid.
Molecular consequence: missense variant.
Genome position (GRCh38, 1-based): chr17:82,081,352, C>T on the plus strand (G>A on the coding strand, the complement: FASN is on the minus strand). VCF-style: chr17-82081352-C-T. GRCh37 (hg19) VCF-style: chr17-80039228-C-T.
Other names: short protein forms G2136D.
Identifiers: ClinVar variation 4752236 (VCV004752236.1).